The following is an entry in ClinVar:

ClinVar aggregate classification (germline): Uncertain significance (1 of 4 stars; one submission).

Conditions:
Emery-Dreifuss muscular dystrophy 5, autosomal dominant (EDMD5). Also called: EMERY-DREIFUSS MUSCULAR DYSTROPHY 5. Identifiers: Orphanet 261, MedGen C2751805, MONDO:0013072, OMIM 612999.

Submission:

Labcorp Genetics (formerly Invitae), Labcorp
Classification: Uncertain significance for Emery-Dreifuss muscular dystrophy 5, autosomal dominant. Last evaluated: 2022-09-10. Review status: criteria provided, single submitter. Criteria: Invitae Variant Classification Sherloc (09022015). Collection method: clinical testing. Allele origin: germline.
Comment: This sequence change replaces proline, which is neutral and non-polar, with serine, which is neutral and polar, at codon 4438 of the SYNE2 protein (p.Pro4438Ser). This variant is not present in population databases (gnomAD no frequency). This variant has not been reported in the literature in individuals affected with SYNE2-related conditions. Algorithms developed to predict the effect of missense changes on protein structure and function output the following: SIFT: "Tolerated"; PolyPhen-2: "Benign"; Align-GVGD: "Class C0". The serine amino acid residue is found in multiple mammalian species, which suggests that this missense change does not adversely affect protein function. In summary, the available evidence is currently insufficient to determine the role of this variant in disease. Therefore, it has been classified as a Variant of Uncertain Significance.

NM_182914.3(SYNE2):c.13312C>T (p.Pro4438Ser)

Gene: SYNE2 (spectrin repeat containing nuclear envelope protein 2; plus strand). Cytogenetic location: 14q23.2.
Variant type: single nucleotide variant.
Coding change: c.13312C>T on transcript NM_182914.3 (MANE Select); coding-DNA position 13312, C replaced by T.
Protein change: p.Pro4438Ser; replaces proline 4438 with serine.
Molecular consequence: missense variant.
Genome position (GRCh38, 1-based): chr14:64,122,317, C>T. VCF-style: chr14-64122317-C-T. GRCh37 (hg19) VCF-style: chr14-64589035-C-T.
Other names: c.13312C>T, p.Pro4438Ser (NM_015180.6); short protein forms P4438S.
Identifiers: ClinVar variation 1719155 (VCV001719155.3), dbSNP rs2549133143, ClinGen allele CA389964078.